The following is an entry in ClinVar:

NM_004260.4(RECQL4):c.2542C>T (p.Arg848Cys)

Gene: RECQL4 (RecQ like helicase 4; minus strand). Cytogenetic location: 8q24.3.
Variant type: single nucleotide variant.
Coding change: c.2542C>T on transcript NM_004260.4 (MANE Select); coding-DNA position 2542, C replaced by T.
Protein change: p.Arg848Cys; replaces arginine 848 with cysteine.
Molecular consequence: missense variant.
Genome position (GRCh38, 1-based): chr8:144,513,060, G>A on the plus strand (C>T on the coding strand, the complement: RECQL4 is on the minus strand). VCF-style: chr8-144513060-G-A. GRCh37 (hg19) VCF-style: chr8-145738443-G-A.
Other names: short protein forms R848C.
Identifiers: ClinVar variation 459411 (VCV000459411.9), dbSNP rs757540549, ClinGen allele CA4948195.

ClinVar aggregate classification (germline): Conflicting classifications of pathogenicity. Review status: criteria provided, conflicting classifications (1 of 4 stars). 2 submissions from 2 submitters: Uncertain significance (1); Likely benign (1). Last evaluated 2025-05-06.

Conditions:
Baller-Gerold syndrome (BGS). Also called: CRANIOSYNOSTOSIS WITH RADIAL DEFECTS. Identifiers: Orphanet 1225, MedGen C0265308, MONDO:0009039, OMIM 218600.

Allele frequency attached by ClinVar (database versions not stated): gnomAD 0.00002; TOPMed 0.00002.
gnomAD v4.1: 55 of 1,580,380 alleles (0.0035%); highest among the groups gnomAD compares: Non-Finnish European, 0.0038%; no homozygotes.

Submissions (2):

Labcorp Genetics (formerly Invitae), Labcorp
Classification: Uncertain significance for Baller-Gerold syndrome. Last evaluated: 2025-05-06. Review status: criteria provided, single submitter. Criteria: Invitae Variant Classification Sherloc (09022015). Collection method: clinical testing. Allele origin: germline.
Comment: This sequence change replaces arginine, which is basic and polar, with cysteine, which is neutral and slightly polar, at codon 848 of the RECQL4 protein (p.Arg848Cys). This variant is present in population databases (rs757540549, gnomAD 0.01%). This variant has not been reported in the literature in individuals affected with RECQL4-related conditions. ClinVar contains an entry for this variant (Variation ID: 459411). Invitae Evidence Modeling of protein sequence and biophysical properties (such as structural, functional, and spatial information, amino acid conservation, physicochemical variation, residue mobility, and thermodynamic stability) indicates that this missense variant is not expected to disrupt RECQL4 protein function with a negative predictive value of 80%. Algorithms developed to predict the effect of sequence changes on RNA splicing suggest that this variant may create or strengthen a splice site. In summary, the available evidence is currently insufficient to determine the role of this variant in disease. Therefore, it has been classified as a Variant of Uncertain Significance.

Blueprint Genetics
Classification: Likely benign. Last evaluated: 2024-08-28. Review status: criteria provided, single submitter. Criteria: ACMG Guidelines, 2015. Collection method: clinical testing. Allele origin: germline.